The following is an entry in ClinVar:

NM_000384.3(APOB):c.3277A>G (p.Thr1093Ala)

Gene: APOB (apolipoprotein B; minus strand). Cytogenetic location: 2p24.1.
Variant type: single nucleotide variant.
Coding change: c.3277A>G on transcript NM_000384.3 (MANE Select); coding-DNA position 3277, A replaced by G.
Protein change: p.Thr1093Ala; replaces threonine 1093 with alanine.
Molecular consequence: missense variant.
Genome position (GRCh38, 1-based): chr2:21,016,494, T>C on the plus strand (A>G on the coding strand, the complement: APOB is on the minus strand). VCF-style: chr2-21016494-T-C. GRCh37 (hg19) VCF-style: chr2-21239366-T-C.
Other names: short protein forms T1093A.
Identifiers: ClinVar variation 4789294 (VCV004789294.1).
Genomic context (GRCh38, chr2:21,016,494, plus strand): 5'-TTTACCTTAGGTGGCCCATGAGGGCGACCTCAGTAATTTTCTTGTTCTGAATGTCCAGGG[T>C]GAGTCTGTAAGACGTTTTGCCCTCAGTAGATTCATCATTAACTCTGAGGATTGTTCCGAG-3'
Protein context (NP_000375.3, residues 1083-1103): STEGKTSYRL[Thr1093Ala]LDIQNKKITE

ClinVar aggregate classification (germline): Uncertain significance (1 of 4 stars; one submission).

Conditions:
Familial hypobetalipoproteinemia 1. Also called: APOB-Related Familial Hypobetalipoproteinemia; Hypobetalipoproteinemia, normotriglyceridemic; Acanthocytosis with hypobetalipoproteinemia. Identifiers: MedGen C4551990, MONDO:0014252, OMIM 615558.
Hypercholesterolemia, autosomal dominant, type B (FHCL2). Also called: APOB-Related Familial Hypercholesterolemia, Autosomal Dominant; Familial hypercholesterolemia 2; Familial Hypercholesterolemia Type B; APOLIPOPROTEIN B-100, FAMILIAL DEFECTIVE; APOLIPOPROTEIN B-100, FAMILIAL LIGAND-DEFECTIVE; HYPERCHOLESTEROLEMIA, FAMILIAL, DUE TO LIGAND-DEFECTIVE APOLIPOPROTEIN B. Identifiers: MedGen C1704417, MONDO:0007751, OMIM 144010.

Submission:

Labcorp Genetics (formerly Invitae), Labcorp
Classification: Uncertain significance for Familial hypobetalipoproteinemia 1; Hypercholesterolemia, autosomal dominant, type B. Last evaluated: 2026-01-21. Review status: criteria provided, single submitter. Criteria: Invitae Variant Classification Sherloc (09022015). Collection method: clinical testing. Allele origin: germline.
Comment: This sequence change replaces threonine, which is neutral and polar, with alanine, which is neutral and non-polar, at codon 1093 of the APOB protein (p.Thr1093Ala). This variant is not present in population databases (gnomAD no frequency). This variant has not been reported in the literature in individuals affected with APOB-related conditions. Invitae Evidence Modeling of protein sequence and biophysical properties (such as structural, functional, and spatial information, amino acid conservation, physicochemical variation, residue mobility, and thermodynamic stability) indicates that this missense variant is not expected to disrupt APOB protein function with a negative predictive value of 95%. In summary, the available evidence is currently insufficient to determine the role of this variant in disease. Therefore, it has been classified as a Variant of Uncertain Significance.